The following is an entry in ClinVar:

ClinVar aggregate classification (germline): Uncertain significance (1 of 4 stars; one submission).

Conditions:
Susceptibility to respiratory infections associated with CD8alpha chain mutation (IMD116). Also called: Cd8 deficiency, familial; IMMUNODEFICIENCY 116. Identifiers: Orphanet 169085, MedGen C1837065, MONDO:0012161, OMIM 608957.

Allele frequency attached by ClinVar (database versions not stated): gnomAD 0.00001; gnomAD exomes 0.00001; TOPMed 0.00001.
gnomAD v4.1: 10 of 1,613,798 alleles (0.00062%); highest among the groups gnomAD compares: Admixed American, 0.0033%; no homozygotes.

Submission:

Labcorp Genetics (formerly Invitae), Labcorp
Classification: Uncertain significance for Susceptibility to respiratory infections associated with CD8alpha chain mutation. Last evaluated: 2025-11-10. Review status: criteria provided, single submitter. Criteria: Invitae Variant Classification Sherloc (09022015). Collection method: clinical testing. Allele origin: germline.
Comment: This sequence change replaces cysteine, which is neutral and slightly polar, with arginine, which is basic and polar, at codon 181 of the CD8A protein (p.Cys181Arg). This variant is present in population databases (no rsID available, gnomAD 0.003%). This variant has not been reported in the literature in individuals affected with CD8A-related conditions. ClinVar contains an entry for this variant (Variation ID: 2187496). An algorithm developed to predict the effect of missense changes on protein structure and function (PolyPhen-2) suggests that this variant is likely to be disruptive. In summary, the available evidence is currently insufficient to determine the role of this variant in disease. Therefore, it has been classified as a Variant of Uncertain Significance.

NM_001768.7(CD8A):c.541T>C (p.Cys181Arg)

Gene: CD8A (CD8 subunit alpha; minus strand). Cytogenetic location: 2p11.2.
Variant type: single nucleotide variant.
Coding change: c.541T>C on transcript NM_001768.7 (MANE Select); coding-DNA position 541, T replaced by C.
Protein change: p.Cys181Arg; replaces cysteine 181 with arginine.
Molecular consequence: missense variant. On other transcripts: non-coding transcript variant (2), intron variant (1).
Genome position (GRCh38, 1-based): chr2:86,789,407, A>G on the plus strand (T>C on the coding strand, the complement: CD8A is on the minus strand). VCF-style: chr2-86789407-A-G. GRCh37 (hg19) VCF-style: chr2-87016530-A-G.
Other names: c.541T>C, p.Cys181Arg (NM_001145873.1, NM_001382698.1); c.514+233T>C (NM_171827.4); short protein forms C181R.
Identifiers: ClinVar variation 2187496 (VCV002187496.4), dbSNP rs1277109787, ClinGen allele CA347576129.